The following is an entry in ClinVar:

NM_000284.4(PDHA1):c.1072G>A (p.Glu358Lys)

Gene: PDHA1 (pyruvate dehydrogenase E1 subunit alpha 1; plus strand). Cytogenetic location: Xp22.12.
Variant type: single nucleotide variant.
Coding change: c.1072G>A on transcript NM_000284.4 (MANE Select); coding-DNA position 1072, G replaced by A.
Protein change: p.Glu358Lys; replaces glutamic acid 358 with lysine.
Molecular consequence: missense variant.
Genome position (GRCh38, 1-based): chrX:19,359,552, G>A. VCF-style: chrX-19359552-G-A. GRCh37 (hg19) VCF-style: chrX-19377670-G-A.
Other names: c.1186G>A, p.Glu396Lys (NM_001173454.2); c.1093G>A, p.Glu365Lys (NM_001173455.2); c.979G>A, p.Glu327Lys (NM_001173456.2); c.1072G>A (NM_000284.3); short protein forms E327K, E358K, E365K, E396K.
Identifiers: ClinVar variation 1695287 (VCV001695287.31), dbSNP rs2147189180, ClinGen allele CA412396646.

ClinVar aggregate classification (germline): Likely pathogenic. Review status: criteria provided, single submitter (1 of 4 stars). 2 submissions from 2 submitters: Likely pathogenic (1). 1 of the submissions does not count toward it. Last evaluated 2022-06-01.

Conditions:
Pyruvate dehydrogenase E1-alpha deficiency (PDHAD). Also called: ATAXIA, INTERMITTENT, WITH PYRUVATE DEHYDROGENASE DEFICIENCY; ATAXIA WITH LACTIC ACIDOSIS I; ATAXIA, INTERMITTENT, WITH ABNORMAL PYRUVATE METABOLISM; Ataxia, intermittent, with pyruvate dehydrogenase, or decarboxylase, deficiency. Identifiers: Orphanet 79243, MedGen C1839413, MONDO:0010717, OMIM 312170.

Submissions (2):

CeGaT Center for Human Genetics Tuebingen
Classification: Likely pathogenic. Last evaluated: 2022-06-01. Review status: criteria provided, single submitter. Criteria: CeGaT Center For Human Genetics Tuebingen Variant Classification Criteria Version 2. Collection method: clinical testing. Allele origin: germline. Affected: yes. Observed: 1 variant allele.
Comment: PDHA1: PP4:Strong, PM2

PDHA1 Study Group, University Children’s Hospital, Paracelsus Medical University
Classification: Likely pathogenic for Pyruvate dehydrogenase E1-alpha deficiency. Last evaluated: 2024-10-15. Review status: no assertion criteria provided. Collection method: research. Allele origin: germline. Affected: yes. Observed: 1 variant allele. Not counted in ClinVar's aggregate classification.
Comment: The NM_000284.3:c.1072G>A (p.Glu358Lys) substitution is a missense variant in PDHA1 gene. The variant has been reported in 1 published case (PMIDs: 16967364). Last literature search: July 12, 2024. This variant is absent or extremely rare in population-based cohorts in the Genome Aggregation Database (gnomAD). Individuals harboring this variant presented with clinical features compatible with PDHA1-related PDHc deficiency. In summary, this variant meets criteria to be classified as likely pathogenic (LP) for PDHA1-related PDHc deficiency based on the ACMG/AMP criteria applied: PM1, PM2, PM7, PP3, PP4 (last assessment October 15, 2024).

Literature cited by the submitters: PubMed 16967364 (cited by PDHA1 Study Group, University Children’s Hospital, Paracelsus Medical University); DOI 10.1093/brain/awaf430 (cited by PDHA1 Study Group, University Children’s Hospital, Paracelsus Medical University).